The following is an entry in ClinVar:

NC_012920.1(MT-ND2):m.4923A>T

Gene: MT-ND2 (mitochondrially encoded NADH dehydrogenase 2; plus strand).
Variant type: single nucleotide variant.
Genome position: chrM-4923-A-T.
Identifiers: ClinVar variation 692518 (VCV000692518.1), dbSNP rs1603219674, ClinGen allele CA414778109.

ClinVar aggregate classification (germline): Uncertain significance (1 of 4 stars; one submission).

Conditions:
Leigh syndrome (NULS). Also called: Leigh's necrotizing encephalopathy; Leigh's disease; Leigh Syndrome (mtDNA deletion); Leigh Disease; Subacute necrotizing encephalopathy; Necrotizing encephalopathy infantile subacute of Leigh. Identifiers: Orphanet 506, MedGen C2931891, MONDO:0009723, OMIM 256000.

Submission:

Wong Mito Lab, Molecular and Human Genetics, Baylor College of Medicine
Classification: Uncertain significance for Leigh syndrome. Last evaluated: 2019-10-17. Review status: criteria provided, single submitter. Criteria: Modified ACMG Guidelines (Unpublished). Collection method: clinical testing. Allele origin: germline.
Comment: The NC_012920.1:m.4923A>T (YP_003024027.1:p.Ser152Cys) variant in MTND2 gene is interpretated to be a Uncertain Significance variant based on the modified ACMG guidelines (unpublished). This variant meets the following evidence codes: PM8, PP4,BP4